The following is an entry in ClinVar:

ClinVar aggregate classification (germline): Uncertain significance (1 of 4 stars; one submission).

Conditions:
Inborn genetic diseases. Identifiers: MedGen C0950123, MeSH D030342.

gnomAD v4.1: 1 of 1,614,060 alleles (0.000062%); highest among the groups gnomAD compares: Admixed American, 0.0017%; no homozygotes.

Submission:

Ambry Genetics
Classification: Uncertain significance for Inborn genetic diseases. Last evaluated: 2025-05-05. Review status: criteria provided, single submitter. Criteria: Ambry Variant Classification Scheme 2023. Collection method: clinical testing. Allele origin: germline.
Comment: The c.9649C>T (p.R3217C) alteration is located in exon 42 (coding exon 42) of the KMT2C gene. This alteration results from a C to T substitution at nucleotide position 9649, causing the arginine (R) at amino acid position 3217 to be replaced by a cysteine (C). Based on data from gnomAD, the T allele has an overall frequency of <0.001% (1/251442) total alleles studied. The highest observed frequency was 0.003% (1/34592) of Latino alleles. This amino acid position is highly conserved in available vertebrate species. This alteration is predicted to be deleterious by in silico analysis. Based on insufficient or conflicting evidence, the clinical significance of this alteration remains unclear.

NM_170606.3(KMT2C):c.9649C>T (p.Arg3217Cys)

Gene: KMT2C (lysine methyltransferase 2C; minus strand). Cytogenetic location: 7q36.1.
Variant type: single nucleotide variant.
Coding change: c.9649C>T on transcript NM_170606.3 (MANE Select); coding-DNA position 9649, C replaced by T.
Protein change: p.Arg3217Cys; replaces arginine 3217 with cysteine.
Molecular consequence: missense variant.
Genome position (GRCh38, 1-based): chr7:152,167,247, G>A on the plus strand (C>T on the coding strand, the complement: KMT2C is on the minus strand). VCF-style: chr7-152167247-G-A. GRCh37 (hg19) VCF-style: chr7-151864332-G-A.
Other names: short protein forms R3217C.
Identifiers: ClinVar variation 3865115 (VCV003865115.2).